The following is an entry in ClinVar:

NM_017617.5(NOTCH1):c.2368A>G (p.Thr790Ala)

Gene: NOTCH1 (notch receptor 1; minus strand). Cytogenetic location: 9q34.3.
Variant type: single nucleotide variant.
Coding change: c.2368A>G on transcript NM_017617.5 (MANE Select); coding-DNA position 2368, A replaced by G.
Protein change: p.Thr790Ala; replaces threonine 790 with alanine.
Molecular consequence: missense variant.
Genome position (GRCh38, 1-based): chr9:136,513,120, T>C on the plus strand (A>G on the coding strand, the complement: NOTCH1 is on the minus strand). VCF-style: chr9-136513120-T-C. GRCh37 (hg19) VCF-style: chr9-139407572-T-C.
Other names: short protein forms T790A.
Identifiers: ClinVar variation 1306835 (VCV001306835.2), dbSNP rs2133358150, ClinGen allele CA375556779.
Genomic context (GRCh38, chr9:136,513,120, plus strand): 5'-CGTCGTCAATACACGTGCCCTGGTTCAGACATGGGTTGGACGCACACTCGTTGATGTTGG[T>C]CTGGCAGTTGGGACCTGGAGGGAAGGGGACAGCACTCGGCATGTCCAGCACTCCCAGGCA-3'
Protein context (NP_060087.3, residues 780-800): REGFSGPNCQ[Thr790Ala]NINECASNPC

ClinVar aggregate classification (germline): Uncertain significance (1 of 4 stars; one submission).

Submission:

GeneDx
Classification: Uncertain significance. Last evaluated: 2019-06-27. Review status: criteria provided, single submitter. Criteria: GeneDx Variant Classification Process June 2021. Collection method: clinical testing. Allele origin: germline. Affected: yes.
Comment: Has not been previously published as pathogenic or benign to our knowledge; Not observed in large population cohorts (Lek et al., 2016); In silico analysis, which includes protein predictors and evolutionary conservation, supports that this variant does not alter protein structure/function